The following is an entry in ClinVar:

ClinVar aggregate classification (germline): Likely benign. Review status: criteria provided, multiple submitters, no conflicts (2 of 4 stars). 2 submissions from 2 submitters: Likely benign (2). Last evaluated 2026-02-02.

Allele frequency attached by ClinVar (database versions not stated): ExAC 0.00001; gnomAD 0.00001; gnomAD exomes 0.00002.
gnomAD v4.1: 26 of 1,613,856 alleles (0.0016%); highest among the groups gnomAD compares: Non-Finnish European, 0.0019%; no homozygotes.

Submissions (2):

Labcorp Genetics (formerly Invitae), Labcorp
Classification: Likely benign. Last evaluated: 2026-02-02. Review status: criteria provided, single submitter. Criteria: Invitae Variant Classification Sherloc (09022015). Collection method: clinical testing. Allele origin: germline.

CeGaT Center for Human Genetics Tuebingen
Classification: Likely benign. Last evaluated: 2024-01-01. Review status: criteria provided, single submitter. Criteria: CeGaT Center For Human Genetics Tuebingen Variant Classification Criteria Version 2. Collection method: clinical testing. Allele origin: germline. Affected: yes. Observed: 1 variant allele.
Comment: SETD5: BP4, BP7

NM_001080517.3(SETD5):c.2907C>T (p.Leu969=)

Gene: SETD5 (SET domain containing 5; plus strand). Cytogenetic location: 3p25.3.
Variant type: single nucleotide variant.
Coding change: c.2907C>T on transcript NM_001080517.3 (MANE Select); coding-DNA position 2907, C replaced by T.
Protein change: p.Leu969=; no amino-acid change (leucine 969 retained).
Molecular consequence: synonymous variant.
Genome position (GRCh38, 1-based): chr3:9,470,641, C>T. VCF-style: chr3-9470641-C-T. GRCh37 (hg19) VCF-style: chr3-9512325-C-T.
Other names: c.2613C>T, p.Leu871= (NM_001292043.2, NM_001349451.2).
Identifiers: ClinVar variation 3025061 (VCV003025061.23), dbSNP rs762853738, ClinGen allele CA2239574.